The following is an entry in ClinVar:

ClinVar aggregate classification (germline): Uncertain significance (1 of 4 stars; one submission).

Conditions:
Autoimmune interstitial lung disease-arthritis syndrome. Also called: Autoinflammation and autoimmunity, systemic, with immune dysregulation. Identifiers: Orphanet 444092, MedGen C5975714, MONDO:0014629.

Allele frequency attached by ClinVar (database versions not stated): gnomAD exomes below 0.00001.
gnomAD v4.1: 2 of 1,614,178 alleles (0.00012%); highest among the groups gnomAD compares: South Asian, 0.0011%; no homozygotes.

Submission:

Labcorp Genetics (formerly Invitae), Labcorp
Classification: Uncertain significance for Autoimmune interstitial lung disease-arthritis syndrome. Last evaluated: 2021-11-30. Review status: criteria provided, single submitter. Criteria: Invitae Variant Classification Sherloc (09022015). Collection method: clinical testing. Allele origin: germline.
Comment: In summary, the available evidence is currently insufficient to determine the role of this variant in disease. Therefore, it has been classified as a Variant of Uncertain Significance. Algorithms developed to predict the effect of sequence changes on RNA splicing suggest that this variant may create or strengthen a splice site. Advanced modeling of protein sequence and biophysical properties (such as structural, functional, and spatial information, amino acid conservation, physicochemical variation, residue mobility, and thermodynamic stability) performed at Invitae indicates that this missense variant is not expected to disrupt COPA protein function. This variant has not been reported in the literature in individuals affected with COPA-related conditions. This variant is not present in population databases (gnomAD no frequency). This sequence change replaces valine, which is neutral and non-polar, with alanine, which is neutral and non-polar, at codon 503 of the COPA protein (p.Val503Ala).

NM_004371.4(COPA):c.1508T>C (p.Val503Ala)

Gene: COPA (coat protein complex I subunit alpha; minus strand). Cytogenetic location: 1q23.2.
Variant type: single nucleotide variant.
Coding change: c.1508T>C on transcript NM_004371.4 (MANE Select); coding-DNA position 1508, T replaced by C.
Protein change: p.Val503Ala; replaces valine 503 with alanine.
Molecular consequence: missense variant.
Genome position (GRCh38, 1-based): chr1:160,305,708, A>G on the plus strand (T>C on the coding strand, the complement: COPA is on the minus strand). VCF-style: chr1-160305708-A-G. GRCh37 (hg19) VCF-style: chr1-160275498-A-G.
Other names: c.1508T>C, p.Val503Ala (NM_001098398.2); short protein forms V503A.
Identifiers: ClinVar variation 1383021 (VCV001383021.6), dbSNP rs2101836771, ClinGen allele CA343254738.